The following is an entry in ClinVar:

ClinVar aggregate classification (germline): Uncertain significance (1 of 4 stars; one submission).

Conditions:
Rhabdoid tumor predisposition syndrome 2 (RTPS2). Identifiers: Orphanet 231108, Orphanet 69077, MedGen C2750074, MONDO:0013224, OMIM 613325.

Allele frequency attached by ClinVar (database versions not stated): gnomAD exomes below 0.00001; ExAC 0.00001.
gnomAD v4.1: 1 of 1,613,486 alleles (0.000062%); highest among the groups gnomAD compares: Non-Finnish European, 0.000085%; no homozygotes.

Submission:

Labcorp Genetics (formerly Invitae), Labcorp
Classification: Uncertain significance for Rhabdoid tumor predisposition syndrome 2. Last evaluated: 2023-11-11. Review status: criteria provided, single submitter. Criteria: Invitae Variant Classification Sherloc (09022015). Collection method: clinical testing. Allele origin: germline.
Comment: This sequence change replaces glutamine, which is neutral and polar, with histidine, which is basic and polar, at codon 1519 of the SMARCA4 protein (p.Gln1519His). This variant is present in population databases (rs765608152, gnomAD 0.0009%). This variant has not been reported in the literature in individuals affected with SMARCA4-related conditions. Advanced modeling of protein sequence and biophysical properties (such as structural, functional, and spatial information, amino acid conservation, physicochemical variation, residue mobility, and thermodynamic stability) has been performed at Invitae for this missense variant, however the output from this modeling did not meet the statistical confidence thresholds required to predict the impact of this variant on SMARCA4 protein function. In summary, the available evidence is currently insufficient to determine the role of this variant in disease. Therefore, it has been classified as a Variant of Uncertain Significance.

NM_003072.5(SMARCA4):c.4461G>T (p.Gln1487His)

Gene: SMARCA4 (SWI/SNF related BAF chromatin remodeling complex subunit ATPase 4; plus strand). Cytogenetic location: 19p13.2.
Variant type: single nucleotide variant.
Coding change: c.4461G>T on transcript NM_003072.5 (MANE Select); coding-DNA position 4461, G replaced by T.
Protein change: p.Gln1487His; replaces glutamine 1487 with histidine.
Molecular consequence: missense variant. On other transcripts: non-coding transcript variant (1).
Genome position (GRCh38, 1-based): chr19:11,058,291, G>T. VCF-style: chr19-11058291-G-T. GRCh37 (hg19) VCF-style: chr19-11168967-G-T.
Other names: c.4461G>T, p.Gln1487His (NM_001128844.3); c.4371G>T, p.Gln1457His (NM_001128845.2); c.4368G>T, p.Gln1456His (NM_001128846.2); c.4362G>T, p.Gln1454His (NM_001128847.4, NM_001374457.1); c.4359G>T, p.Gln1453His (NM_001128848.2); c.4557G>T, p.Gln1519His (NM_001128849.3, NM_001387283.1); c.4458G>T, p.Gln1486His (NM_001411150.1); short protein forms Q1486H, Q1519H, Q1453H, Q1456H, Q1454H, Q1457H, Q1487H.
Identifiers: ClinVar variation 2695104 (VCV002695104.3), dbSNP rs765608152, ClinGen allele CA9204753.